The following is an entry in ClinVar:

ClinVar aggregate classification (germline): Uncertain significance (1 of 4 stars; one submission).

Conditions:
Infantile neuroaxonal dystrophy (NBIA2A). Also called: NEURODEGENERATION WITH BRAIN IRON ACCUMULATION 2A; SEITELBERGER DISEASE; Infantile neuroaxonal dystrophy 1. Identifiers: Orphanet 35069, MedGen C0270724, MONDO:0024457, OMIM 256600.

gnomAD v4.1: 1 of 1,613,664 alleles (0.000062%); highest among the groups gnomAD compares: Non-Finnish European, 0.000085%; no homozygotes.

Submission:

Labcorp Genetics (formerly Invitae), Labcorp
Classification: Uncertain significance for Infantile neuroaxonal dystrophy. Last evaluated: 2022-07-12. Review status: criteria provided, single submitter. Criteria: Invitae Variant Classification Sherloc (09022015). Collection method: clinical testing. Allele origin: germline.
Comment: This sequence change replaces glycine, which is neutral and non-polar, with valine, which is neutral and non-polar, at codon 152 of the PLA2G6 protein (p.Gly152Val). This variant is not present in population databases (gnomAD no frequency). In summary, the available evidence is currently insufficient to determine the role of this variant in disease. Therefore, it has been classified as a Variant of Uncertain Significance. This variant has not been reported in the literature in individuals affected with PLA2G6-related conditions. ClinVar contains an entry for this variant (Variation ID: 1054186). Advanced modeling of protein sequence and biophysical properties (such as structural, functional, and spatial information, amino acid conservation, physicochemical variation, residue mobility, and thermodynamic stability) performed at Invitae indicates that this missense variant is expected to disrupt PLA2G6 protein function. Algorithms developed to predict the effect of sequence changes on RNA splicing suggest that this variant may create or strengthen a splice site.

NM_003560.4(PLA2G6):c.455G>T (p.Gly152Val)

Gene: PLA2G6 (phospholipase A2 group VI; minus strand). Cytogenetic location: 22q13.1.
Variant type: single nucleotide variant.
Coding change: c.455G>T on transcript NM_003560.4 (MANE Select); coding-DNA position 455, G replaced by T.
Protein change: p.Gly152Val; replaces glycine 152 with valine.
Molecular consequence: missense variant. On other transcripts: 5 prime UTR variant (3).
Genome position (GRCh38, 1-based): chr22:38,143,259, C>A on the plus strand (G>T on the coding strand, the complement: PLA2G6 is on the minus strand). VCF-style: chr22-38143259-C-A. GRCh37 (hg19) VCF-style: chr22-38539266-C-A.
Other names: c.455G>T, p.Gly152Val (NM_001004426.3, NM_001199562.3, NM_001349864.2 and 2 more transcripts); c.-80G>T (NM_001349867.2, NM_001349869.2); c.-36G>T (NM_001349868.2); short protein forms G152V.
Identifiers: ClinVar variation 1054186 (VCV001054186.9), dbSNP rs1252028585, ClinGen allele CA411531989.
Genomic context (GRCh38, chr22:38,143,259, plus strand): 5'-ACCAGCTCCACCAGGATCTCCCCATCACCCTTGCGGCAGGCCAGGTGCAGGGGTGTGCAG[C>A]CCTCCTCGTTCTCCGCGCAATTGGCACAGCTGCAGGAGAGGGCCAGGGTGAGCAGAGGTG-3'
Protein context (NP_003551.2, residues 142-162): SCANCAENEE[Gly152Val]CTPLHLACRK